The following is an entry in ClinVar:

NM_000312.4(PROC):c.668G>T (p.Ser223Ile)

Gene: PROC (protein C, inactivator of coagulation factors Va and VIIIa; plus strand). Cytogenetic location: 2q14.3.
Variant type: single nucleotide variant.
Coding change: c.668G>T on transcript NM_000312.4 (MANE Select); coding-DNA position 668, G replaced by T.
Protein change: p.Ser223Ile; replaces serine 223 with isoleucine.
Molecular consequence: missense variant.
Genome position (GRCh38, 1-based): chr2:127,426,217, G>T. VCF-style: chr2-127426217-G-T. GRCh37 (hg19) VCF-style: chr2-128183793-G-T.
Other names: c.731G>T, p.Ser244Ile (NM_001375604.1); c.770G>T, p.Ser257Ile (NM_001375605.1); c.836G>T, p.Ser279Ile (NM_001375606.1); c.854G>T, p.Ser285Ile (NM_001375607.1); c.611G>T, p.Ser204Ile (NM_001375608.1); c.644G>T, p.Ser215Ile (NM_001375609.1); c.662G>T, p.Ser221Ile (NM_001375610.1); c.668G>T, p.Ser223Ile (NM_001375611.1, NM_001375613.1); and 2 more; short protein forms S204I, S215I, S221I, S223I, S244I, S257I, S278I, S279I.
Identifiers: ClinVar variation 4535235 (VCV004535235.6).

ClinVar aggregate classification (germline): Uncertain significance (1 of 4 stars; one submission).

Submission:

CeGaT Center for Human Genetics Tuebingen
Classification: Uncertain significance. Last evaluated: 2025-11-01. Review status: criteria provided, single submitter. Criteria: CeGaT Center For Human Genetics Tuebingen Variant Classification Criteria Version 2. Collection method: clinical testing. Allele origin: germline. Affected: yes. Observed: 1 variant allele.
Comment: PROC: PM2, PM5